The following is an entry in ClinVar:

NM_001378024.1(ARHGAP32):c.1788A>G (p.Leu596=)

Gene: ARHGAP32 (Rho GTPase activating protein 32; minus strand). Cytogenetic location: 11q24.3.
Variant type: single nucleotide variant.
Coding change: c.1788A>G on transcript NM_001378024.1 (MANE Select); coding-DNA position 1788, A replaced by G.
Protein change: p.Leu596=; no amino-acid change (leucine 596 retained).
Molecular consequence: synonymous variant.
Genome position (GRCh38, 1-based): chr11:128,980,741, T>C on the plus strand (A>G on the coding strand, the complement: ARHGAP32 is on the minus strand). VCF-style: chr11-128980741-T-C. GRCh37 (hg19) VCF-style: chr11-128850636-T-C.
Other names: c.1746A>G, p.Leu582= (NM_001142685.2); c.1626A>G, p.Leu542= (NM_001378025.1); c.699A>G, p.Leu233= (NM_014715.4).
Identifiers: ClinVar variation 2642541 (VCV002642541.24), dbSNP rs770437908, ClinGen allele CA6359103.
Genomic context (GRCh38, chr11:128,980,741, plus strand): 5'-CTCTTCCAATGTCAGCAGTTTGGTGGATGGAGAGGATACCAGGAGGGACTTGGGCCTTGA[T>C]AGAGAAGCTTCAAAAAGAAAAGGAAGCTGATGAAGAGAGTCAACTACGTGAGTGTATTCA-3'
Protein context (NP_001364953.1, residues 586-606): SMAMQEGAAS[Leu596=]SRPKSLLVSS

ClinVar aggregate classification (germline): Likely benign (1 of 4 stars; one submission).

Allele frequency attached by ClinVar (database versions not stated): gnomAD 0.00001; gnomAD exomes 0.00001; ExAC 0.00002.
gnomAD v4.1: 17 of 1,600,408 alleles (0.0011%); highest among the groups gnomAD compares: Non-Finnish European, 0.0014%; no homozygotes.

Submission:

CeGaT Center for Human Genetics Tuebingen
Classification: Likely benign. Last evaluated: 2022-10-01. Review status: criteria provided, single submitter. Criteria: CeGaT Center For Human Genetics Tuebingen Variant Classification Criteria Version 2. Collection method: clinical testing. Allele origin: germline. Affected: yes. Observed: 1 variant allele.
Comment: ARHGAP32: BP4, BP7